The following is an entry in ClinVar:

NM_000057.4(BLM):c.1437C>G (p.Phe479Leu)

Gene: BLM (BLM RecQ like helicase; plus strand). Cytogenetic location: 15q26.1.
Variant type: single nucleotide variant.
Coding change: c.1437C>G on transcript NM_000057.4 (MANE Select); coding-DNA position 1437, C replaced by G.
Protein change: p.Phe479Leu; replaces phenylalanine 479 with leucine.
Molecular consequence: missense variant.
Genome position (GRCh38, 1-based): chr15:90,760,810, C>G. VCF-style: chr15-90760810-C-G. GRCh37 (hg19) VCF-style: chr15-91304040-C-G.
Other names: c.1437C>G, p.Phe479Leu (NM_001287246.2, NM_001287247.2); c.312C>G, p.Phe104Leu (NM_001287248.2); short protein forms F479L, F104L.
Identifiers: ClinVar variation 568909 (VCV000568909.6), dbSNP rs1567041060, ClinGen allele CA393843055.

ClinVar aggregate classification (germline): Uncertain significance (1 of 4 stars; one submission).

Conditions:
Bloom syndrome (BLM). Also called: Bloom-Torre-Machacek syndrome. Identifiers: Orphanet 125, MedGen C0005859, MONDO:0008876, OMIM 210900.

Submission:

Labcorp Genetics (formerly Invitae), Labcorp
Classification: Uncertain significance for Bloom syndrome. Last evaluated: 2021-09-01. Review status: criteria provided, single submitter. Criteria: Invitae Variant Classification Sherloc (09022015). Collection method: clinical testing. Allele origin: germline.
Comment: This sequence change replaces phenylalanine with leucine at codon 479 of the BLM protein (p.Phe479Leu). The phenylalanine residue is weakly conserved and there is a small physicochemical difference between phenylalanine and leucine. This variant is not present in population databases (ExAC no frequency). This variant has not been reported in the literature in individuals affected with BLM-related conditions. Algorithms developed to predict the effect of missense changes on protein structure and function output the following: SIFT: "Tolerated"; PolyPhen-2: "Benign"; Align-GVGD: "Class C0". The leucine amino acid residue is found in multiple mammalian species, which suggests that this missense change does not adversely affect protein function. In summary, the available evidence is currently insufficient to determine the role of this variant in disease. Therefore, it has been classified as a Variant of Uncertain Significance.